The following is an entry in ClinVar:

ClinVar aggregate classification (germline): Pathogenic/Likely pathogenic. Review status: criteria provided, multiple submitters, no conflicts (2 of 4 stars). 4 submissions from 4 submitters: Pathogenic (2); Likely pathogenic (2). Last evaluated 2023-08-08.

Conditions:
Familial adenomatous polyposis 1 (FAP1). Also called: FAMILIAL ADENOMATOUS POLYPOSIS 1, ATTENUATED; POLYPOSIS, ADENOMATOUS INTESTINAL. Identifiers: MedGen C2713442, MONDO:0021056, OMIM 175100. Disease mechanism: loss of function.
Familial multiple polyposis syndrome (FAP). Also called: Familial polyposis; Familial adenomatous polyposis; Familial intestinal polyposis; Classic familial adenomatous polyposis; Familial Adenomatous Polyposis (FAP). Identifiers: Orphanet 733, MedGen C0032580, MONDO:0021055. Disease mechanism: loss of function.

Submissions (4):

Women's Health and Genetics/Laboratory Corporation of America, LabCorp
Classification: Pathogenic for Familial multiple polyposis syndrome. Last evaluated: 2023-08-08. Review status: criteria provided, single submitter. Criteria: LabCorp Variant Classification Summary - May 2015. Collection method: clinical testing. Allele origin: germline.
Comment: Variant summary: APC c.2385_2386delCT (p.Tyr796TrpfsX2) results in a premature termination codon and is predicted to cause a truncation of the encoded protein, which is a commonly known mechanism for disease. Although the variant is not predicted to cause absence of the protein through nonsense mediated decay, the variant disrupts >2000 amino acids in the encoded protein sequence. Variants downstream of this position have been classified as pathogenic by our laboratory. The variant was absent in 250802 control chromosomes (gnomAD). c.2385_2386delCT has been reported in the literature in individuals affected with Familial Adenomatous Polyposis (e.g. Groves_2002, Grandval_2014 [UMD database]). These data indicate that the variant may be associated with disease. To our knowledge, no experimental evidence demonstrating an impact on protein function has been reported. The following publications have been ascertained in the context of this evaluation (PMID: 24599579, 11950808). One ClinVar submitter has assessed the variant since 2014, and classified the variant as likely pathogenic. Based on the evidence outlined above, the variant was classified as pathogenic.

Myriad Genetics, Inc.
Classification: Pathogenic for Familial adenomatous polyposis 1. Last evaluated: 2023-05-04. Review status: criteria provided, single submitter. Criteria: Myriad Autosomal Dominant, Autosomal Recessive and X-Linked Classification Criteria (2023). Collection method: clinical testing. Allele origin: unknown.
Comment: This variant is considered pathogenic. This variant creates a frameshift predicted to result in premature protein truncation.

Institute for Genomic Medicine (IGM) Clinical Laboratory, Nationwide Children's Hospital
Classification: Likely pathogenic for Familial adenomatous polyposis 1. Last evaluated: 2022-11-05. Review status: criteria provided, single submitter. Criteria: ACMG Guidelines, 2015. Collection method: clinical testing. Allele origin: germline.
Comment: This variant is predicted to result in loss of function through nonsense-mediated decay of the encoded transcript or premature truncation of the encoded protein in a gene in which loss of function is a known mechanism of disease (ACMG/AMP: PVS1; PMIDs:8594558, 11257105, 1651174, 10051640, 23159591). This variant is absent from or present at an exceedingly low frequency in gnomAD, a large-scale control population database (ACMG/AMP: PM2).

Mendelics
Classification: Likely pathogenic for Familial adenomatous polyposis 1. Last evaluated: 2018-07-02. Review status: criteria provided, single submitter. Criteria: Mendelics Assertion Criteria 2017. Collection method: clinical testing. Allele origin: unknown.

Literature cited by the submitters: PubMed 24599579 (cited by Women's Health and Genetics/Laboratory Corporation of America, LabCorp); PubMed 11950808 (cited by Women's Health and Genetics/Laboratory Corporation of America, LabCorp); PubMed 8594558 (cited by Institute for Genomic Medicine (IGM) Clinical Laboratory, Nationwide Children's Hospital); PubMed 11257105 (cited by Institute for Genomic Medicine (IGM) Clinical Laboratory, Nationwide Children's Hospital); PubMed 1651174 (cited by Institute for Genomic Medicine (IGM) Clinical Laboratory, Nationwide Children's Hospital); PubMed 10051640 (cited by Institute for Genomic Medicine (IGM) Clinical Laboratory, Nationwide Children's Hospital); PubMed 23159591 (cited by Institute for Genomic Medicine (IGM) Clinical Laboratory, Nationwide Children's Hospital).

NM_000038.6(APC):c.2385_2386del (p.Tyr796fs)

Gene: APC (APC regulator of Wnt signaling pathway; plus strand). Cytogenetic location: 5q22.2.
Variant type: Microsatellite.
Coding change: c.2385_2386del on transcript NM_000038.6 (MANE Select); coding-DNA positions 2385 to 2386, 2 bases deleted (CT; older notation c.2385_2386delCT).
Protein change: p.Tyr796fs; shifts the reading frame from tyrosine 796.
Molecular consequence: frameshift variant.
Genome position (GRCh38, 1-based): chr5:112,837,979-112,837,980, CT deleted; deleting any 2 consecutive bases within chr5:112,837,976-112,837,980 gives the same sequence; the c. name uses the placement nearest the transcript's 3' end. VCF-style (leftmost placement, unchanged base first): chr5-112837975-GTC-G. GRCh37 (hg19) VCF-style: chr5-112173672-GTC-G.
Other names: c.2385_2386delCT (NM_000038.5); c.2385_2386del, p.Tyr796fs (NM_001127510.3, NM_001354895.2); c.2331_2332del, p.Tyr778fs (NM_001127511.3); c.2439_2440del, p.Tyr814fs (NM_001354896.2); c.2415_2416del, p.Tyr806fs (NM_001354897.2); c.2310_2311del, p.Tyr771fs (NM_001354898.2); c.2301_2302del, p.Tyr768fs (NM_001354899.2); c.2262_2263del, p.Tyr755fs (NM_001354900.2); and 6 more; short protein forms Y670fs, Y705fs, Y806fs, Y814fs, Y513fs, Y737fs, Y768fs, Y778fs.
Identifiers: ClinVar variation 584667 (VCV000584667.6), dbSNP rs1561576666, ClinGen allele CA891842602.